The following is an entry in ClinVar:

ClinVar aggregate classification (germline): Uncertain significance (1 of 4 stars; one submission).

Conditions:
IL17RD-related disorder. Also called: IL17RD-related condition.

gnomAD v4.1: 9 of 1,605,982 alleles (0.00056%); highest among the groups gnomAD compares: Admixed American, 0.0017%; no homozygotes.

Submission:

PreventionGenetics, part of Exact Sciences
Classification: Uncertain significance for IL17RD-related condition. Last evaluated: 2025-03-14. Review status: criteria provided, single submitter. Criteria: ACMG Guidelines, 2015. Collection method: clinical testing. Allele origin: germline.
Comment: The IL17RD c.1900C>T variant is predicted to result in the amino acid substitution p.Arg634Trp. To our knowledge, this variant has not been reported in the literature. This variant is reported in 0.0064% of alleles in individuals of African descent in gnomAD. At this time, the clinical significance of this variant is uncertain due to the absence of conclusive functional and genetic evidence.

NM_017563.5(IL17RD):c.1900C>T (p.Arg634Trp)

Genes: IL17RD (interleukin 17 receptor D; minus strand), LOC126806689 (BRD4-independent group 4 enhancer GRCh37_chr3:57131244-57132443; plus strand). Cytogenetic location: 3p14.3.
Variant type: single nucleotide variant.
Coding change: c.1900C>T on transcript NM_017563.5 (MANE Select); coding-DNA position 1900, C replaced by T.
Protein change: p.Arg634Trp; replaces arginine 634 with tryptophan.
Molecular consequence: missense variant.
Genome position (GRCh38, 1-based): chr3:57,097,803, G>A on the plus strand (C>T on the coding strand, the complement: IL17RD is on the minus strand). VCF-style: chr3-57097803-G-A. GRCh37 (hg19) VCF-style: chr3-57131831-G-A.
Other names: c.1468C>T, p.Arg490Trp (NM_001318864.2); short protein forms R634W, R490W.
Identifiers: ClinVar variation 4980069 (VCV004980069.1).
Genomic context (GRCh38, chr3:57,097,803, plus strand): 5'-TGCCGGCTTTCACCGTGTGCAGCAGGGGTTGCAGGGCGGCGCTACCGTCAAGGGCAGGCC[G>A]GGCCTCCCCGTCTTGGTCCAGGCCCCCATGCTGACTCTCGTGCTGGGAGTCGGCTGGTCC-3'
Protein context (NP_060033.3, residues 624-644): HGGLDQDGEA[Arg634Trp]PALDGSAALQ